The following is an entry in ClinVar:

NM_017636.4(TRPM4):c.3541C>T (p.Gln1181Ter)

Gene: TRPM4 (transient receptor potential cation channel subfamily M member 4; plus strand). Cytogenetic location: 19q13.33.
Variant type: single nucleotide variant.
Coding change: c.3541C>T on transcript NM_017636.4 (MANE Select); coding-DNA position 3541, C replaced by T.
Protein change: p.Gln1181Ter; replaces glutamine 1181 with a stop codon.
Molecular consequence: nonsense.
Genome position (GRCh38, 1-based): chr19:49,211,170, C>T. VCF-style: chr19-49211170-C-T. GRCh37 (hg19) VCF-style: chr19-49714427-C-T.
Other names: c.3106C>T, p.Gln1036Ter (NM_001195227.2); c.3196C>T, p.Gln1066Ter (NM_001321281.2); c.1933C>T, p.Gln645Ter (NM_001321282.2); c.3019C>T, p.Gln1007Ter (NM_001321283.2); c.2479C>T, p.Gln827Ter (NM_001321285.2); short protein forms Q1066*, Q827*, Q1007*, Q1036*, Q1181*, Q645*.
Identifiers: ClinVar variation 2825908 (VCV002825908.3), dbSNP rs2514244888, ClinGen allele CA406773581.

ClinVar aggregate classification (germline): Uncertain significance (1 of 4 stars; one submission).

Conditions:
Progressive familial heart block type IB (PFHB1B). Identifiers: Orphanet 871, MedGen C1970298, MONDO:0011474, OMIM 604559.

Submission:

Labcorp Genetics (formerly Invitae), Labcorp
Classification: Uncertain significance for Progressive familial heart block type IB. Last evaluated: 2023-01-02. Review status: criteria provided, single submitter. Criteria: Invitae Variant Classification Sherloc (09022015). Collection method: clinical testing. Allele origin: germline.
Comment: In summary, the available evidence is currently insufficient to determine the role of this variant in disease. Therefore, it has been classified as a Variant of Uncertain Significance. This variant has not been reported in the literature in individuals affected with TRPM4-related conditions. This variant is not present in population databases (gnomAD no frequency). This sequence change creates a premature translational stop signal (p.Gln1181*) in the TRPM4 gene. It is expected to result in an absent or disrupted protein product. However, the current clinical and genetic evidence is not sufficient to establish whether loss-of-function variants in TRPM4 cause disease.